The following is an entry in ClinVar:

ClinVar aggregate classification (germline): Uncertain significance (1 of 4 stars; one submission).

Submission:

GeneDx
Classification: Uncertain significance. Last evaluated: 2026-02-01. Review status: criteria provided, single submitter. Criteria: GeneDx Variant Classification Process June 2021. Collection method: clinical testing. Allele origin: germline.
Comment: Not observed at significant frequency in large population cohorts (gnomAD); In silico analysis supports that this missense variant has a deleterious effect on protein structure/function; Has not been previously published as pathogenic or benign to our knowledge

NM_005754.3(G3BP1):c.287G>A (p.Gly96Glu)

Gene: G3BP1 (G3BP stress granule assembly factor 1; plus strand). Cytogenetic location: 5q33.1.
Variant type: single nucleotide variant.
Coding change: c.287G>A on transcript NM_005754.3 (MANE Select); coding-DNA position 287, G replaced by A.
Protein change: p.Gly96Glu; replaces glycine 96 with glutamic acid.
Molecular consequence: missense variant.
Genome position (GRCh38, 1-based): chr5:151,790,998, G>A. VCF-style: chr5-151790998-G-A. GRCh37 (hg19) VCF-style: chr5-151170559-G-A.
Other names: c.287G>A, p.Gly96Glu (NM_198395.2); short protein forms G96E.
Identifiers: ClinVar variation 4975864 (VCV004975864.1).